The following is an entry in ClinVar:

NM_005431.2(XRCC2):c.629C>T (p.Ser210Phe)

Gene: XRCC2 (X-ray repair cross complementing 2; minus strand). Cytogenetic location: 7q36.1.
Variant type: single nucleotide variant.
Coding change: c.629C>T on transcript NM_005431.2 (MANE Select); coding-DNA position 629, C replaced by T.
Protein change: p.Ser210Phe; replaces serine 210 with phenylalanine.
Molecular consequence: missense variant.
Genome position (GRCh38, 1-based): chr7:152,648,856, G>A on the plus strand (C>T on the coding strand, the complement: XRCC2 is on the minus strand). VCF-style: chr7-152648856-G-A. GRCh37 (hg19) VCF-style: chr7-152345941-G-A.
Other names: short protein forms S210F.
Identifiers: ClinVar variation 2611920 (VCV002611920.2), dbSNP rs1167218811, ClinGen allele CA370198285.

ClinVar aggregate classification (germline): Uncertain significance (1 of 4 stars; one submission).

Conditions:
Hereditary cancer-predisposing syndrome. Also called: Tumor predisposition; Hereditary Cancer Syndrome; Hereditary neoplastic syndrome; Neoplastic Syndromes, Hereditary. Identifiers: Orphanet 140162, MedGen C0027672, MeSH D009386, MONDO:0015356.

Allele frequency attached by ClinVar (database versions not stated): gnomAD exomes below 0.00001.
gnomAD v4.1: 2 of 1,613,922 alleles (0.00012%); highest among the groups gnomAD compares: Non-Finnish European, 0.00017%; no homozygotes.

Submission:

Ambry Genetics
Classification: Uncertain significance for Hereditary cancer-predisposing syndrome. Last evaluated: 2023-11-01. Review status: criteria provided, single submitter. Criteria: Ambry Variant Classification Scheme 2023. Collection method: clinical testing. Allele origin: germline.
Comment: The p.S210F variant (also known as c.629C>T), located in coding exon 3 of the XRCC2 gene, results from a C to T substitution at nucleotide position 629. The serine at codon 210 is replaced by phenylalanine, an amino acid with highly dissimilar properties. This amino acid position is conserved. In addition, this alteration is predicted to be tolerated by in silico analysis. Since supporting evidence is limited at this time, the clinical significance of this alteration remains unclear.